The following is an entry in ClinVar:

NM_000238.4(KCNH2):c.1673_1675dup (p.Ala558_Leu559insPro)

Gene: KCNH2 (potassium voltage-gated channel subfamily H member 2; minus strand). Cytogenetic location: 7q36.1.
Variant type: Duplication.
Coding change: c.1673_1675dup on transcript NM_000238.4 (MANE Select); coding-DNA positions 1673 to 1675, 3 bases duplicated (CGC; older notation c.1673_1675dupCGC).
Protein change: p.Ala558_Leu559insPro.
Molecular consequence: non-coding transcript variant (on NR_176254.1).
Genome position (GRCh38, 1-based): chr7:150,951,718-150,951,720, GCG duplicated on the plus strand (CGC on the coding strand, the reverse complement: KCNH2 is on the minus strand). VCF-style (leftmost placement, unchanged base first): chr7-150951717-A-AGCG. GRCh37 (hg19) VCF-style: chr7-150648805-A-AGCG.
Other names: c.653_655dup, p.Ala218_Leu219insPro (NM_001204798.2, NM_172057.3); c.1385_1387dup, p.Ala462_Leu463insPro (NM_001406753.1, NM_001406756.1); c.1496_1498dup, p.Ala499_Leu500insPro (NM_001406755.1); c.1373_1375dup, p.Ala458_Leu459insPro (NM_001406757.1); c.1673_1675dup, p.Ala558_Leu559insPro (NM_172056.3).
Identifiers: ClinVar variation 3651800 (VCV003651800.2).
Genomic context (GRCh38, chr7:150,951,717, plus strand): 5'-ATGTGTGGCTGCTCCATGTTGCCGATGGCGTACCAGATGCAGGCTAGCCAGTGCGCGATG[A>AGCG]GCGCAAAGGTGCACATGAGCAAGAACAGCACGGCCGCGCCGTACTCTGAGTAGCGATCCA-3'

ClinVar aggregate classification (germline): Uncertain significance (1 of 4 stars; one submission).

Conditions:
Long QT syndrome (LQTS). Identifiers: MedGen C0023976, MeSH D008133, MONDO:0002442. Disease mechanism: loss of function. Inheritance: Various modes of inheritance.

Submission:

Labcorp Genetics (formerly Invitae), Labcorp
Classification: Uncertain significance for Long QT syndrome. Last evaluated: 2024-05-01. Review status: criteria provided, single submitter. Criteria: Invitae Variant Classification Sherloc (09022015). Collection method: clinical testing. Allele origin: germline.
Comment: This variant, c.1673_1675dup, results in the insertion of 1 amino acid(s) of the KCNH2 protein (p.Ala558_Leu559insPro), but otherwise preserves the integrity of the reading frame. This variant is not present in population databases (gnomAD no frequency). This variant has not been reported in the literature in individuals affected with KCNH2-related conditions. In summary, the available evidence is currently insufficient to determine the role of this variant in disease. Therefore, it has been classified as a Variant of Uncertain Significance.